The following is an entry in ClinVar:

NM_130837.3(OPA1):c.2158C>A (p.Leu720Ile)

Gene: OPA1 (OPA1 mitochondrial dynamin like GTPase; plus strand). Cytogenetic location: 3q29.
Variant type: single nucleotide variant.
Coding change: c.2158C>A on transcript NM_130837.3 (MANE Select); coding-DNA position 2158, C replaced by A.
Protein change: p.Leu720Ile; replaces leucine 720 with isoleucine.
Molecular consequence: missense variant.
Genome position (GRCh38, 1-based): chr3:193,655,007, C>A. VCF-style: chr3-193655007-C-A. GRCh37 (hg19) VCF-style: chr3-193372796-C-A.
Other names: c.1624C>A, p.Leu542Ile (NM_001354663.2); c.1621C>A, p.Leu541Ile (NM_001354664.2); c.1993C>A, p.Leu665Ile (NM_015560.3); c.1885C>A, p.Leu629Ile (NM_130831.3); c.1939C>A, p.Leu647Ile (NM_130832.3); c.1996C>A, p.Leu666Ile (NM_130833.3); c.2047C>A, p.Leu683Ile (NM_130834.3); c.2050C>A, p.Leu684Ile (NM_130835.3); and 1 more; short protein forms L542I, L666I, L683I, L684I, L702I, L541I, L647I, L720I.
Identifiers: ClinVar variation 3639957 (VCV003639957.2).
Genomic context (GRCh38, chr3:193,655,007, plus strand): 5'-AATTCAGGAACTTTTAACACCACAGTGGATATCAAGCTTAAACAGTGGACTGATAAACAA[C>A]TTCCTAATAAAGCAGTAGAGGTTAGGATATAATTTAATTAAATGGGTAAGAAGCATTATC-3'
Protein context (NP_570850.2, residues 710-730): IKLKQWTDKQ[Leu720Ile]PNKAVEVAWE

ClinVar aggregate classification (germline): Uncertain significance (1 of 4 stars; one submission).

Submission:

Labcorp Genetics (formerly Invitae), Labcorp
Classification: Uncertain significance. Last evaluated: 2024-02-09. Review status: criteria provided, single submitter. Criteria: Invitae Variant Classification Sherloc (09022015). Collection method: clinical testing. Allele origin: germline.
Comment: This sequence change replaces leucine, which is neutral and non-polar, with isoleucine, which is neutral and non-polar, at codon 665 of the OPA1 protein (p.Leu665Ile). This variant is not present in population databases (gnomAD no frequency). This variant has not been reported in the literature in individuals affected with OPA1-related conditions. Advanced modeling of protein sequence and biophysical properties (such as structural, functional, and spatial information, amino acid conservation, physicochemical variation, residue mobility, and thermodynamic stability) performed at Invitae indicates that this missense variant is expected to disrupt OPA1 protein function with a positive predictive value of 80%. In summary, the available evidence is currently insufficient to determine the role of this variant in disease. Therefore, it has been classified as a Variant of Uncertain Significance.